The following is an entry in ClinVar:

NM_213599.3(ANO5):c.2396G>C (p.Arg799Pro)

Gene: ANO5 (anoctamin 5; plus strand). Cytogenetic location: 11p14.3.
Variant type: single nucleotide variant.
Coding change: c.2396G>C on transcript NM_213599.3 (MANE Select); coding-DNA position 2396, G replaced by C.
Protein change: p.Arg799Pro; replaces arginine 799 with proline.
Molecular consequence: missense variant.
Genome position (GRCh38, 1-based): chr11:22,274,729, G>C. VCF-style: chr11-22274729-G-C. GRCh37 (hg19) VCF-style: chr11-22296275-G-C.
Other names: c.2393G>C, p.Arg798Pro (NM_001142649.2); c.2354G>C, p.Arg785Pro (NM_001410963.1); c.2351G>C, p.Arg784Pro (NM_001410964.1); short protein forms R784P, R785P, R798P, R799P.
Identifiers: ClinVar variation 3753741 (VCV003753741.2).

ClinVar aggregate classification (germline): Uncertain significance (1 of 4 stars; one submission).

Conditions:
Gnathodiaphyseal dysplasia (GDD). Also called: GNATHODIAPHYSEAL SCLEROSIS; OSTEOGENESIS IMPERFECTA WITH UNUSUAL SKELETAL LESIONS. Identifiers: Orphanet 53697, MedGen C1833736, MONDO:0008151, OMIM 166260.
Autosomal recessive limb-girdle muscular dystrophy type 2L (LGMDR12). Also called: Limb-girdle muscular dystrophy, type 2L; MUSCULAR DYSTROPHY, LIMB-GIRDLE, AUTOSOMAL RECESSIVE 12; Limb-Girdle Muscular Dystrophy R12 Anoctamin-5-Related (LGMD-R12). Identifiers: Orphanet 206549, MedGen C1969785, MONDO:0012652, OMIM 611307.

gnomAD v4.1: 3 of 1,613,324 alleles (0.00019%); highest among the groups gnomAD compares: Non-Finnish European, 0.00025%; no homozygotes.

Submission:

Labcorp Genetics (formerly Invitae), Labcorp
Classification: Uncertain significance for Autosomal recessive limb-girdle muscular dystrophy type 2L; Gnathodiaphyseal dysplasia. Last evaluated: 2024-05-14. Review status: criteria provided, single submitter. Criteria: Invitae Variant Classification Sherloc (09022015). Collection method: clinical testing. Allele origin: germline.
Comment: This sequence change replaces arginine, which is basic and polar, with proline, which is neutral and non-polar, at codon 799 of the ANO5 protein (p.Arg799Pro). This variant is not present in population databases (gnomAD no frequency). This variant has not been reported in the literature in individuals affected with ANO5-related conditions. Advanced modeling of protein sequence and biophysical properties (such as structural, functional, and spatial information, amino acid conservation, physicochemical variation, residue mobility, and thermodynamic stability) performed at Invitae indicates that this missense variant is not expected to disrupt ANO5 protein function with a negative predictive value of 95%. In summary, the available evidence is currently insufficient to determine the role of this variant in disease. Therefore, it has been classified as a Variant of Uncertain Significance.